The following is an entry in ClinVar:

NM_004415.4(DSP):c.2986-5C>T

Gene: DSP (desmoplakin; plus strand). Cytogenetic location: 6p24.3.
Variant type: single nucleotide variant.
Coding change: c.2986-5C>T on transcript NM_004415.4 (MANE Select); 5 bases into the intron before coding-DNA position 2986, C replaced by T.
Molecular consequence: intron variant.
Genome position (GRCh38, 1-based): chr6:7,578,459, C>T. VCF-style: chr6-7578459-C-T. GRCh37 (hg19) VCF-style: chr6-7578692-C-T.
Other names: c.2986-5C>T (LRG_423t1, NM_001319034.2, NM_001008844.3).
Identifiers: ClinVar variation 508976 (VCV000508976.2), dbSNP rs1554107902, ClinGen allele CA658796710.

ClinVar aggregate classification (germline): Likely benign. Review status: criteria provided, multiple submitters, no conflicts (2 of 4 stars). 2 submissions from 2 submitters: Likely benign (2). Last evaluated 2023-09-04.

Conditions:
Arrhythmogenic cardiomyopathy with wooly hair and keratoderma. Also called: Carvajal syndrome; Dilated cardiomyopathy with woolly hair and keratoderma; Arrhythmogenic cardiomyopathy with woolly hair and keratoderma; PALMOPLANTAR KERATODERMA WITH LEFT VENTRICULAR CARDIOMYOPATHY AND WOOLLY HAIR. Identifiers: Orphanet 65282, MedGen C1854063, MONDO:0011581, OMIM 605676.

Submissions (2):

All of Us Research Program, National Institutes of Health
Classification: Likely benign for Arrhythmogenic cardiomyopathy with wooly hair and keratoderma. Last evaluated: 2023-09-04. Review status: criteria provided, single submitter. Criteria: ACMG Guidelines, 2015. Collection method: clinical testing. Allele origin: germline. Inheritance: Autosomal dominant inheritance. Observed: 2 variant alleles, 2 heterozygotes.
Comment: This study involves interpretation of variants in research participants for the purpose of population health screening. Participant phenotype was not available at the time of variant classification. Additional details can be found in publication PMID: 35346344, PMCID: PMC8962531

GeneDx
Classification: Likely benign. Last evaluated: 2017-04-18. Review status: criteria provided, single submitter. Criteria: GeneDx Variant Classification (06012015). Collection method: clinical testing. Allele origin: germline. Affected: yes.
Comment: This variant is considered likely benign or benign based on one or more of the following criteria: it is a conservative change, it occurs at a poorly conserved position in the protein, it is predicted to be benign by multiple in silico algorithms, and/or has population frequency not consistent with disease.